The following is an entry in ClinVar:

ClinVar aggregate classification (germline): Benign. Review status: reviewed by expert panel (3 of 4 stars). 6 submissions from 6 submitters: Benign (1). 5 of the submissions do not count toward it. Last evaluated 2022-05-13.

Conditions:
Nonsyndromic genetic hearing loss. Also called: Non-syndromic genetic deafness; Nonsyndromic genetic deafness; Nonsyndromic hearing loss and deafness. Identifiers: Orphanet 87884, MedGen C5680182, MONDO:0019497.

Allele frequency attached by ClinVar (database versions not stated): gnomAD exomes 0.00076; ExAC 0.00101; ESP Exome Variant Server 0.00231; 1000 Genomes Project 0.00280; gnomAD 0.00290 and 0.00309; 1000 Genomes Project 30x 0.00297; TOPMed 0.00298.
gnomAD v4.1: 849 of 1,609,718 alleles (0.053%); highest among the groups gnomAD compares: African/African-American, 0.95%; 5 homozygotes.

Submissions (6):

ClinGen Hearing Loss Variant Curation Expert Panel
Classification: Benign for Nonsyndromic genetic hearing loss. Last evaluated: 2022-05-13. Review status: reviewed by expert panel. Criteria: clingen hl acmg specifications otof myo15a v1. Collection method: curation. Allele origin: germline. Inheritance: Autosomal recessive inheritance.
Comment: The filtering allele frequency (the lower threshold of the 95% CI of 232/24628) of the c.1580-6C>T variant in the OTOF gene is 0.843% for African/African-American chromosomes by gnomAD, which is a high enough frequency to be classified as benign based on thresholds defined by the ClinGen Hearing Loss Expert Panel for autosomal recessive hearing loss variants (BA1). Additionally, splice prediction analysis using MaxEntScan and SpliceAI does not suggest an impact to splicing (BP4). In summary, this variant meets criteria to be classified as benign. ACMG/AMP criteria applied, as specified by the Hearing Loss Expert Panel: BA1, BP4.

Blueprint Genetics
Classification: Likely benign. Last evaluated: 2024-11-01. Review status: criteria provided, single submitter. Criteria: ACMG Guidelines, 2015. Collection method: clinical testing. Allele origin: germline. Not counted in ClinVar's aggregate classification.

GeneDx
Classification: Likely benign. Last evaluated: 2020-10-14. Review status: criteria provided, single submitter. Criteria: GeneDx Variant Classification Process June 2021. Collection method: clinical testing. Allele origin: germline. Affected: yes. Not counted in ClinVar's aggregate classification.

Labcorp Genetics (formerly Invitae), Labcorp
Classification: Benign. Last evaluated: 2019-12-31. Review status: criteria provided, single submitter. Criteria: Invitae Variant Classification Sherloc (09022015). Collection method: clinical testing. Allele origin: germline. Not counted in ClinVar's aggregate classification.

Laboratory for Molecular Medicine, Mass General Brigham Personalized Medicine
Classification: Benign. Last evaluated: 2012-04-30. Review status: criteria provided, single submitter. Criteria: LMM Criteria. Collection method: clinical testing. Allele origin: germline. Observed: 6 variant alleles. Not counted in ClinVar's aggregate classification.
Comment: 1580-6C>T in Intron 14 of OTOF: This variant is not expected to have clinical si gnificance because it has been identified in 0.7% (25/3738) of African American chromosomes from a broad population by the NHLBI Exome Sequencing Project (dbSNP rs114260271).

Breakthrough Genomics
Classification: Benign. Review status: criteria provided, single submitter. Criteria: ACMG Guidelines, 2015. Collection method: not provided. Allele origin: germline. Inheritance: Autosomal recessive inheritance. Affected: yes. Not counted in ClinVar's aggregate classification.

NM_194248.3(OTOF):c.1580-6C>T

Gene: OTOF (otoferlin; minus strand). Cytogenetic location: 2p23.3.
Variant type: single nucleotide variant.
Coding change: c.1580-6C>T on transcript NM_194248.3 (MANE Select); 6 bases into the intron before coding-DNA position 1580, C replaced by T.
Molecular consequence: intron variant.
Genome position (GRCh38, 1-based): chr2:26,481,015, G>A on the plus strand (C>T on the coding strand, the complement: OTOF is on the minus strand). VCF-style: chr2-26481015-G-A. GRCh37 (hg19) VCF-style: chr2-26703883-G-A.
Other names: c.1580-6C>T (NM_001287489.2).
Identifiers: ClinVar variation 164870 (VCV000164870.14), dbSNP rs114260271, ClinGen allele CA177561.
Genomic context (GRCh38, chr2:26,481,015, plus strand): 5'-TTACGTGTGGAGCCGTACATGTTCACCCAGGCTGGGCCCAGTGTGGGCAGGAAGCCTGTG[G>A]CAGTGGGAACAAAAATGAGGGGGCAGCGTCACATCCAGTTTCCCTGGGGAAGAGGGGCCT-3'